The following is an entry in ClinVar:

ClinVar aggregate classification (germline): Uncertain significance. Review status: criteria provided, multiple submitters, no conflicts (2 of 4 stars). 2 submissions from 2 submitters: Uncertain significance (2). Last evaluated 2024-05-06.

Conditions:
Juvenile polyposis syndrome (JPS). Identifiers: Orphanet 2929, MedGen C0345893, MONDO:0017380, OMIM 174900.
Hereditary cancer-predisposing syndrome. Also called: Neoplastic Syndromes, Hereditary; Hereditary Cancer Syndrome; Hereditary neoplastic syndrome; Tumor predisposition. Identifiers: Orphanet 140162, MedGen C0027672, MeSH D009386, MONDO:0015356.

Submissions (2):

Ambry Genetics
Classification: Uncertain significance for Hereditary cancer-predisposing syndrome. Last evaluated: 2024-05-06. Review status: criteria provided, single submitter. Criteria: Ambry Variant Classification Scheme 2023. Collection method: clinical testing. Allele origin: germline.
Comment: The p.I169T variant (also known as c.506T>C), located in coding exon 5 of the BMPR1A gene, results from a T to C substitution at nucleotide position 506. The isoleucine at codon 169 is replaced by threonine, an amino acid with similar properties. This amino acid position is well conserved in available vertebrate species. In addition, the in silico prediction for this alteration is inconclusive. Based on the available evidence, the clinical significance of this variant remains unclear.

Labcorp Genetics (formerly Invitae), Labcorp
Classification: Uncertain significance for Juvenile polyposis syndrome. Last evaluated: 2021-04-23. Review status: criteria provided, single submitter. Criteria: Invitae Variant Classification Sherloc (09022015). Collection method: clinical testing. Allele origin: germline.
Comment: Algorithms developed to predict the effect of missense changes on protein structure and function (SIFT, PolyPhen-2, Align-GVGD) all suggest that this variant is likely to be tolerated, but these predictions have not been confirmed by published functional studies and their clinical significance is uncertain. This variant has not been reported in the literature in individuals with BMPR1A-related conditions. This variant is not present in population databases (ExAC no frequency). This sequence change replaces isoleucine with threonine at codon 169 of the BMPR1A protein (p.Ile169Thr). The isoleucine residue is weakly conserved and there is a moderate physicochemical difference between isoleucine and threonine. In summary, the available evidence is currently insufficient to determine the role of this variant in disease. Therefore, it has been classified as a Variant of Uncertain Significance.

NM_004329.3(BMPR1A):c.506T>C (p.Ile169Thr)

Gene: BMPR1A (bone morphogenetic protein receptor type 1A; plus strand). Cytogenetic location: 10q23.2.
Variant type: single nucleotide variant.
Coding change: c.506T>C on transcript NM_004329.3 (MANE Select); coding-DNA position 506, T replaced by C.
Protein change: p.Ile169Thr; replaces isoleucine 169 with threonine.
Molecular consequence: missense variant.
Genome position (GRCh38, 1-based): chr10:86,900,102, T>C. VCF-style: chr10-86900102-T-C. GRCh37 (hg19) VCF-style: chr10-88659859-T-C.
Other names: short protein forms I169T.
Identifiers: ClinVar variation 825415 (VCV000825415.14), dbSNP rs1589768275, ClinGen allele CA377450619.